The following is an entry in ClinVar:

ClinVar aggregate classification (germline): Uncertain significance (0 of 4 stars; one submission).

Conditions:
F11-related disorder. Also called: F11-related condition.

Allele frequency attached by ClinVar (database versions not stated): gnomAD exomes below 0.00001; TOPMed 0.00001; ExAC 0.00002.
gnomAD v4.1: 4 of 1,582,250 alleles (0.00025%); highest among the groups gnomAD compares: Admixed American, 0.0067%; no homozygotes.

Submission:

PreventionGenetics, part of Exact Sciences
Classification: Uncertain significance for F11-related condition. Last evaluated: 2024-02-15. Review status: no assertion criteria provided. Collection method: clinical testing. Allele origin: germline.
Comment: The F11 c.26A>G variant is predicted to result in the amino acid substitution p.His9Arg. To our knowledge, this variant has not been reported in the literature. This variant is reported in 0.012% of alleles in individuals of Latino descent in gnomAD. At this time, the clinical significance of this variant is uncertain due to the absence of conclusive functional and genetic evidence.

NM_000128.4(F11):c.26A>G (p.His9Arg)

Gene: F11 (coagulation factor XI; plus strand). Cytogenetic location: 4q35.2.
Variant type: single nucleotide variant.
Coding change: c.26A>G on transcript NM_000128.4 (MANE Select); coding-DNA position 26, A replaced by G.
Protein change: p.His9Arg; replaces histidine 9 with arginine.
Molecular consequence: missense variant.
Genome position (GRCh38, 1-based): chr4:186,267,162, A>G. VCF-style: chr4-186267162-A-G. GRCh37 (hg19) VCF-style: chr4-187188316-A-G.
Other names: c.26A>G, p.His9Arg (NM_001354804.2); short protein forms H9R.
Identifiers: ClinVar variation 3049951 (VCV003049951.2), dbSNP rs774676239, ClinGen allele CA3163537.
Genomic context (GRCh38, chr4:186,267,162, plus strand): 5'-TGTTCTAAAAGCATGCACCTTTTTCTCATTGTAGGATGATTTTCTTATATCAAGTGGTAC[A>G]TTTCATTTTATTTACTTCAGTTTCTGGTGGTAAGTAGAGTGTTATCTTAACTATGGGCTG-3'
Protein context (NP_000119.1, residues 1-19): MIFLYQVV[His9Arg]FILFTSVSGE